The following is an entry in ClinVar:

ClinVar aggregate classification (germline): Likely pathogenic (1 of 4 stars; one submission).

Conditions:
Charcot-Marie-Tooth disease, type I (CMT1). Also called: Charcot-Marie-Tooth disease type 1; Charcot-Marie-Tooth, Type 1. Identifiers: Orphanet 65753, MedGen C0751036, MONDO:0019011.

Submission:

Labcorp Genetics (formerly Invitae), Labcorp
Classification: Likely pathogenic for Charcot-Marie-Tooth disease, type I. Last evaluated: 2020-07-26. Review status: criteria provided, single submitter. Criteria: Invitae Variant Classification Sherloc (09022015). Collection method: clinical testing. Allele origin: germline.
Comment: This sequence change affects a donor splice site in intron 3 of the MPZ gene. It is expected to disrupt RNA splicing and likely results in an absent or disrupted protein product. This variant is not present in population databases (ExAC no frequency). This variant has been observed in individual(s) with clinical features of Charcot-Marie-Tooth disease (Invitae). Donor and acceptor splice site variants typically lead to a loss of protein function (PMID: 16199547), and loss-of-function variants in MPZ are known to be pathogenic (PMID: 14711881). In summary, the currently available evidence indicates that the variant is pathogenic, but additional data are needed to prove that conclusively. Therefore, this variant has been classified as Likely Pathogenic.

Literature cited by the submitters: PubMed 16199547; PubMed 14711881.

NM_000530.8(MPZ):c.448+2T>C

Gene: MPZ (myelin protein zero; minus strand). Cytogenetic location: 1q23.3.
Variant type: single nucleotide variant.
Coding change: c.448+2T>C on transcript NM_000530.8 (MANE Select); the canonical splice donor site of the intron after coding-DNA position 448, T replaced by C.
Molecular consequence: splice donor variant.
Genome position (GRCh38, 1-based): chr1:161,306,706, A>G on the plus strand (T>C on the coding strand, the complement: MPZ is on the minus strand). VCF-style: chr1-161306706-A-G. GRCh37 (hg19) VCF-style: chr1-161276496-A-G.
Other names: c.448+2T>C (NM_001315491.2).
Identifiers: ClinVar variation 1068163 (VCV001068163.9), dbSNP rs1670257221, ClinGen allele CA343348067.
Genomic context (GRCh38, chr1:161,306,706, plus strand): 5'-CAGTCCTCCCTGATCCCCTCCCAAACTGCTTCCCATACCCTTGTCCCCATCCCTTCTCAC[A>G]CCTTTTTCAAAGACATACAGCGTGACCTGAGAGGTCTTGCCCACTATGTCTGGAGGGTTT-3'